The following is an entry in ClinVar:

NM_000245.4(MET):c.2846T>G (p.Leu949Arg)

Gene: MET (MET proto-oncogene, receptor tyrosine kinase; plus strand). Cytogenetic location: 7q31.2.
Variant type: single nucleotide variant.
Coding change: c.2846T>G on transcript NM_000245.4 (MANE Select); coding-DNA position 2846, T replaced by G.
Protein change: p.Leu949Arg; replaces leucine 949 with arginine.
Molecular consequence: missense variant.
Genome position (GRCh38, 1-based): chr7:116,771,613, T>G. VCF-style: chr7-116771613-T-G. GRCh37 (hg19) VCF-style: chr7-116411667-T-G.
Other names: c.2900T>G, p.Leu967Arg (NM_001127500.3); c.1556T>G, p.Leu519Arg (NM_001324402.2); short protein forms L949R, L519R, L967R.
Identifiers: ClinVar variation 3294352 (VCV003294352.1).

ClinVar aggregate classification (germline): Uncertain significance (1 of 4 stars; one submission).

Conditions:
Hereditary cancer-predisposing syndrome. Also called: Tumor predisposition; Hereditary Cancer Syndrome; Hereditary neoplastic syndrome; Neoplastic Syndromes, Hereditary. Identifiers: Orphanet 140162, MedGen C0027672, MeSH D009386, MONDO:0015356.

gnomAD v4.1: 1 of 1,613,986 alleles (0.000062%); no homozygotes.

Submission:

Ambry Genetics
Classification: Uncertain significance for Hereditary cancer-predisposing syndrome. Last evaluated: 2024-05-04. Review status: criteria provided, single submitter. Criteria: Ambry Variant Classification Scheme 2023. Collection method: clinical testing. Allele origin: germline.
Comment: The p.L967R variant (also known as c.2900T>G), located in coding exon 12 of the MET gene, results from a T to G substitution at nucleotide position 2900. The leucine at codon 967 is replaced by arginine, an amino acid with dissimilar properties. This amino acid position is conserved. In addition, the in silico prediction for this alteration is inconclusive. Based on the available evidence, the clinical significance of this variant remains unclear.